The following is an entry in ClinVar:

NM_001376.5(DYNC1H1):c.2161G>A (p.Glu721Lys)

Gene: DYNC1H1 (dynein cytoplasmic 1 heavy chain 1; plus strand). Cytogenetic location: 14q32.31.
Variant type: single nucleotide variant.
Coding change: c.2161G>A on transcript NM_001376.5 (MANE Select); coding-DNA position 2161, G replaced by A.
Protein change: p.Glu721Lys; replaces glutamic acid 721 with lysine.
Molecular consequence: missense variant.
Genome position (GRCh38, 1-based): chr14:101,986,386, G>A. VCF-style: chr14-101986386-G-A. GRCh37 (hg19) VCF-style: chr14-102452723-G-A.
Other names: c.2161G>A (NM_001376.4); short protein forms E721K.
Identifiers: ClinVar variation 1373719 (VCV001373719.6), dbSNP rs2141274951, ClinGen allele CA391021334.
Genomic context (GRCh38, chr14:101,986,386, plus strand): 5'-GACTGGGCAAGGAAGGTGCAGCAGCGCAACCTCGGTGTCTCGGGGCGCATTTTCACCATC[G>A]AAAGTACTCGGGTTCGGGGCCGAACTGGAAATGTGCTTAAGCTGAAAGTTAACTTTCTTC-3'
Protein context (NP_001367.2, residues 711-731): LGVSGRIFTI[Glu721Lys]STRVRGRTGN

ClinVar aggregate classification (germline): Conflicting classifications of pathogenicity. Review status: criteria provided, conflicting classifications (1 of 4 stars). 2 submissions from 2 submitters: Likely pathogenic (1); Uncertain significance (1). Last evaluated 2022-12-21.

Conditions:
Charcot-Marie-Tooth disease axonal type 2O. Also called: Charcot-Marie-Tooth Neuropathy Type 2O; Charcot-Marie-Tooth disease, axonal, type 20; CHARCOT-MARIE-TOOTH NEUROPATHY, AXONAL, TYPE 2O; CHARCOT-MARIE-TOOTH DISEASE, AXONAL, AUTOSOMAL DOMINANT, TYPE 2O. Identifiers: Orphanet 284232, MedGen C3280220, MONDO:0013644, OMIM 614228.

Submissions (2):

Center for Personalized Medicine, Children's Hospital Los Angeles
Classification: Likely pathogenic. Last evaluated: 2022-12-21. Review status: criteria provided, single submitter. Criteria: ACMG Guidelines, 2015. Collection method: clinical testing. Allele origin: de novo. Affected: yes.

Labcorp Genetics (formerly Invitae), Labcorp
Classification: Uncertain significance for Charcot-Marie-Tooth disease axonal type 2O. Last evaluated: 2022-11-22. Review status: criteria provided, single submitter. Criteria: Invitae Variant Classification Sherloc (09022015). Collection method: clinical testing. Allele origin: germline.
Comment: This variant is not present in population databases (gnomAD no frequency). This sequence change replaces glutamic acid, which is acidic and polar, with lysine, which is basic and polar, at codon 721 of the DYNC1H1 protein (p.Glu721Lys). In summary, the available evidence is currently insufficient to determine the role of this variant in disease. Therefore, it has been classified as a Variant of Uncertain Significance. Advanced modeling of protein sequence and biophysical properties (such as structural, functional, and spatial information, amino acid conservation, physicochemical variation, residue mobility, and thermodynamic stability) performed at Invitae indicates that this missense variant is not expected to disrupt DYNC1H1 protein function. ClinVar contains an entry for this variant (Variation ID: 1373719). This variant has not been reported in the literature in individuals affected with DYNC1H1-related conditions.